The following is an entry in ClinVar:

NM_018489.3(ASH1L):c.8274C>A (p.Asp2758Glu)

Gene: ASH1L (ASH1 like histone lysine methyltransferase; minus strand). Cytogenetic location: 1q22.
Variant type: single nucleotide variant.
Coding change: c.8274C>A on transcript NM_018489.3 (MANE Select); coding-DNA position 8274, C replaced by A.
Protein change: p.Asp2758Glu; replaces aspartic acid 2758 with glutamic acid.
Molecular consequence: missense variant.
Genome position (GRCh38, 1-based): chr1:155,343,333, G>T on the plus strand (C>A on the coding strand, the complement: ASH1L is on the minus strand). VCF-style: chr1-155343333-G-T. GRCh37 (hg19) VCF-style: chr1-155313124-G-T.
Other names: c.8289C>A, p.Asp2763Glu (NM_001366177.2); short protein forms D2758E, D2763E.
Identifiers: ClinVar variation 1331161 (VCV001331161.2), dbSNP rs759365830, ClinGen allele CA342726880.
Genomic context (GRCh38, chr1:155,343,333, plus strand): 5'-ACTTGGCCGAGGTCATTTTTTAACTAGCCCAGATCACTTACCTTTACAATACGTATAAAG[G>T]TCCAACACACAGCAGGTCCCCACTACAGCCTCCAAGGGAATGATCTCATAGAGTGGCACC-3'
Protein context (NP_060959.2, residues 2748-2768): EAVVGTCCVL[Asp2758Glu]LYTYCKGRPK

ClinVar aggregate classification (germline): Uncertain significance (1 of 4 stars; one submission).

gnomAD v4.1: 1 of 1,613,842 alleles (0.000062%); highest among the groups gnomAD compares: Non-Finnish European, 0.000085%; no homozygotes.

Submission:

GeneDx
Classification: Uncertain significance. Last evaluated: 2021-06-28. Review status: criteria provided, single submitter. Criteria: GeneDx Variant Classification Process June 2021. Collection method: clinical testing. Allele origin: germline. Affected: yes.
Comment: Not observed at significant frequency in large population cohorts (Lek et al., 2016); In silico analysis supports that this missense variant has a deleterious effect on protein structure/function; Has not been previously published as pathogenic or benign to our knowledge; This variant is associated with the following publications: (PMID: 27535533)